The following is an entry in ClinVar:

NM_000256.3(MYBPC3):c.592_593del (p.Asp198fs)

Gene: MYBPC3 (myosin binding protein C3; minus strand). Cytogenetic location: 11p11.2.
Variant type: Deletion.
Coding change: c.592_593del on transcript NM_000256.3 (MANE Select); coding-DNA positions 592 to 593, 2 bases deleted (GA; older notation c.592_593delGA).
Protein change: p.Asp198fs; shifts the reading frame from aspartic acid 198.
Molecular consequence: frameshift variant.
Genome position (GRCh38, 1-based): chr11:47,349,835-47,349,836, TC deleted on the plus strand (GA on the coding strand, the reverse complement: MYBPC3 is on the minus strand). VCF-style (leftmost placement, unchanged base first): chr11-47349834-GTC-G. GRCh37 (hg19) VCF-style: chr11-47371385-GTC-G.
Other names: short protein forms D198fs.
Identifiers: ClinVar variation 4294335 (VCV004294335.1).

ClinVar aggregate classification (germline): Likely pathogenic (1 of 4 stars; one submission).

Conditions:
Hypertrophic cardiomyopathy 4. Also called: Familial hypertrophic cardiomyopathy 4. Identifiers: MedGen C1861862, MONDO:0007268, OMIM 115197.

Submission:

Institute of Human Genetics, FAU Erlangen, Friedrich-Alexander-Universität Erlangen-Nürnberg
Classification: Likely pathogenic for Hypertrophic cardiomyopathy 4. Last evaluated: 2025-10-27. Review status: criteria provided, single submitter. Criteria: Hauer et al. (Genet Med. 2018). Collection method: clinical testing. Allele origin: germline. Inheritance: Unknown mechanism. Affected: yes. Observed: 1 variant allele.
Comment: This variant has been identified by standard clinical testing. Selected ACMG criteria: Likely pathogenic (I):PM2;PVS1